The following is an entry in ClinVar:

ClinVar aggregate classification (germline): Uncertain significance (1 of 4 stars; one submission).

Submission:

GeneDx
Classification: Uncertain significance. Last evaluated: 2025-06-16. Review status: criteria provided, single submitter. Criteria: GeneDx Variant Classification Process June 2021. Collection method: clinical testing. Allele origin: germline. Affected: yes.
Comment: Not observed at significant frequency in large population cohorts (gnomAD); In silico analysis supports that this missense variant has a deleterious effect on protein structure/function; Has not been previously published as pathogenic or benign to our knowledge

NM_015215.4(CAMTA1):c.4321G>A (p.Ala1441Thr)

Gene: CAMTA1 (calmodulin binding transcription activator 1; plus strand). Cytogenetic location: 1p36.23.
Variant type: single nucleotide variant.
Coding change: c.4321G>A on transcript NM_015215.4 (MANE Select); coding-DNA position 4321, G replaced by A.
Protein change: p.Ala1441Thr; replaces alanine 1441 with threonine.
Molecular consequence: missense variant.
Genome position (GRCh38, 1-based): chr1:7,744,973, G>A. VCF-style: chr1-7744973-G-A. GRCh37 (hg19) VCF-style: chr1-7805033-G-A.
Other names: c.1054G>A, p.Ala352Thr (NM_001349623.1, NM_001349624.3, NM_001349625.2 and 5 more transcripts); c.3982G>A, p.Ala1328Thr (NM_001410737.1, NM_001349609.2, NM_001349610.2); c.3910G>A, p.Ala1304Thr (NM_001410738.1); c.4231G>A, p.Ala1411Thr (NM_001349608.2); c.3892G>A, p.Ala1298Thr (NM_001349612.2); c.1450G>A, p.Ala484Thr (NM_001349613.1); c.1393G>A, p.Ala465Thr (NM_001349614.1, NM_001349615.2, NM_001349616.2 and 2 more transcripts); short protein forms A1298T, A1304T, A1328T, A1411T, A1441T, A352T, A465T, A484T.
Identifiers: ClinVar variation 4538861 (VCV004538861.1).